The following is an entry in ClinVar:

NM_022765.4(MICAL1):c.1093G>C (p.Asp365His)

Gene: MICAL1 (microtubule associated monooxygenase, calponin and LIM domain containing 1; minus strand). Cytogenetic location: 6q21.
Variant type: single nucleotide variant.
Coding change: c.1093G>C on transcript NM_022765.4 (MANE Select); coding-DNA position 1093, G replaced by C.
Protein change: p.Asp365His; replaces aspartic acid 365 with histidine.
Molecular consequence: missense variant. On other transcripts: intron variant (1).
Genome position (GRCh38, 1-based): chr6:109,450,398, C>G on the plus strand (G>C on the coding strand, the complement: MICAL1 is on the minus strand). VCF-style: chr6-109450398-C-G. GRCh37 (hg19) VCF-style: chr6-109771601-C-G.
Other names: c.1150G>C, p.Asp384His (NM_001286613.2); c.934-313G>C (NM_001159291.2); short protein forms D384H, D365H.
Identifiers: ClinVar variation 1995589 (VCV001995589.4), dbSNP rs544659329, ClinGen allele CA365231197.

ClinVar aggregate classification (germline): Uncertain significance (1 of 4 stars; one submission).

Submission:

Labcorp Genetics (formerly Invitae), Labcorp
Classification: Uncertain significance. Last evaluated: 2022-09-13. Review status: criteria provided, single submitter. Criteria: Invitae Variant Classification Sherloc (09022015). Collection method: clinical testing. Allele origin: germline.
Comment: This sequence change replaces aspartic acid, which is acidic and polar, with histidine, which is basic and polar, at codon 384 of the MICAL1 protein (p.Asp384His). This variant is not present in population databases (gnomAD no frequency). This variant has not been reported in the literature in individuals affected with MICAL1-related conditions. Algorithms developed to predict the effect of missense changes on protein structure and function are either unavailable or do not agree on the potential impact of this missense change (SIFT: "Deleterious"; PolyPhen-2: "Possibly Damaging"; Align-GVGD: "Class C0"). In summary, the available evidence is currently insufficient to determine the role of this variant in disease. Therefore, it has been classified as a Variant of Uncertain Significance.